The following is an entry in ClinVar:

ClinVar aggregate classification (germline): Pathogenic (1 of 4 stars; one submission).

Conditions:
Fabry disease. Also called: ALPHA-GALACTOSIDASE A DEFICIENCY; ANDERSON-FABRY DISEASE; CERAMIDE TRIHEXOSIDASE DEFICIENCY; GLA DEFICIENCY; HEREDITARY DYSTOPIC LIPIDOSIS; Angiokeratoma corporis diffusum. Identifiers: Orphanet 324, MedGen C0002986, MONDO:0010526, OMIM 301500, HP:0001071. Disease mechanism: Fabry disease is due to inactivating mutations in the X-linked GLA gene resulting in deficiency of the enzyme Alpha Galactosidase-A., loss of function.

Submission:

Genomenon, Inc
Classification: Pathogenic for Fabry disease. Last evaluated: 2026-09-08. Review status: criteria provided, single submitter. Criteria: Genomenon Sequence Variant Interpretation Standards - Updated. Collection method: curation. Allele origin: germline. Affected: yes.
Comment: GLA p.Gly373ValfsTer18 (c.1118del) is a frameshift variant that is predicted to introduce a premature termination codon and result in a truncated or absent protein product. This variant has been observed in at least one proband with clinical features consistent with Fabry disease (PMID:26083343). It is absent or not present at a significant frequency in gnomAD. In conclusion, we classify GLA p.Gly373ValfsTer18 (c.1118del) as a pathogenic variant.

Literature cited by the submitters: PubMed 26083343.

NM_000169.3(GLA):c.1118del (p.Gly373fs)

Genes: GLA (galactosidase alpha; minus strand), RPL36A-HNRNPH2 (RPL36A-HNRNPH2 readthrough; plus strand). Cytogenetic location: Xq22.1.
Variant type: Deletion.
Coding change: c.1118del on transcript NM_000169.3 (MANE Select); coding-DNA position 1118, one base deleted (G; older notation c.1118delG).
Protein change: p.Gly373fs; shifts the reading frame from glycine 373.
Molecular consequence: frameshift variant. On other transcripts: non-coding transcript variant (3), intron variant (2).
Genome position (GRCh38, 1-based): chrX:101,397,981, C deleted on the plus strand (G on the coding strand, the reverse complement: GLA is on the minus strand); the first of 3 consecutive C bases (chrX:101,397,981-101,397,983); deleting any one gives the same sequence. VCF-style (leftmost placement, unchanged base first): chrX-101397980-AC-A. GRCh37 (hg19) VCF-style: chrX-100652968-AC-A.
Other names: c.1241del, p.Gly414fs (NM_001406747.1); c.300+2526del (NM_001199973.2); c.177+6161del (NM_001199974.2); short protein forms G373fs, G414fs.
Identifiers: ClinVar variation 4087065 (VCV004087065.2).